The following is an entry in ClinVar:

ClinVar aggregate classification (germline): Uncertain significance (1 of 4 stars; one submission).

Conditions:
Hypercholesterolemia, autosomal dominant, 3 (FHCL3). Also called: Familial Hypercholesterolemia, Autosomal Dominant, 3; PCSK9-Related Familial Hypercholesterolemia, Autosomal Dominant; Familial hypercholesterolemia 3. Identifiers: MedGen C1863551, MONDO:0011369, OMIM 603776.

Allele frequency attached by ClinVar (database versions not stated): TOPMed 0.00001.

Submission:

All of Us Research Program, National Institutes of Health
Classification: Uncertain significance for Hypercholesterolemia, autosomal dominant, 3. Last evaluated: 2023-10-23. Review status: criteria provided, single submitter. Criteria: ACMG Guidelines, 2015. Collection method: clinical testing. Allele origin: germline. Inheritance: Autosomal dominant inheritance. Observed: 1 variant allele, 1 heterozygote.
Comment: This missense variant replaces alanine with proline at codon 314 of the PCSK9 protein. Computational prediction suggests that this variant may have deleterious impact on protein structure and function (internally defined REVEL score threshold >= 0.7, PMID: 27666373). To our knowledge, functional studies have not been reported for this variant. This variant has not been reported in individuals affected with PCSK9-related disorders in the literature. This variant has not been identified in the general population by the Genome Aggregation Database (gnomAD). The available evidence is insufficient to determine the role of this variant in disease conclusively. Therefore, this variant is classified as a Variant of Uncertain Significance.

This study involves interpretation of variants in research participants for the purpose of population health screening. Participant phenotype was not available at the time of variant classification. Additional details can be found in publication PMID: 35346344, PMCID: PMC8962531

NM_174936.4(PCSK9):c.940G>C (p.Ala314Pro)

Gene: PCSK9 (proprotein convertase subtilisin/kexin type 9; plus strand). Cytogenetic location: 1p32.3.
Variant type: single nucleotide variant.
Coding change: c.940G>C on transcript NM_174936.4 (MANE Select); coding-DNA position 940, G replaced by C.
Protein change: p.Ala314Pro; replaces alanine 314 with proline.
Molecular consequence: missense variant. On other transcripts: non-coding transcript variant (8).
Genome position (GRCh38, 1-based): chr1:55,056,133, G>C. VCF-style: chr1-55056133-G-C. GRCh37 (hg19) VCF-style: chr1-55521806-G-C.
Other names: c.1063G>C, p.Ala355Pro (NM_001407240.1); c.940G>C, p.Ala314Pro (NM_001407241.1, NM_001407244.1, NM_001407247.1); c.943G>C, p.Ala315Pro (NM_001407242.1); c.883G>C, p.Ala295Pro (NM_001407243.1); c.748G>C, p.Ala250Pro (NM_001407245.1); c.565G>C, p.Ala189Pro (NM_001407246.1); short protein forms A189P, A250P, A295P, A314P, A315P, A355P.
Identifiers: ClinVar variation 3074115 (VCV003074115.1), dbSNP rs865914100, ClinGen allele CA340475003.